The following is an entry in ClinVar:

NM_001374736.1(DST):c.17889A>T (p.Gly5963=)

Gene: DST (dystonin; minus strand). Cytogenetic location: 6p12.1.
Variant type: single nucleotide variant.
Coding change: c.17889A>T on transcript NM_001374736.1 (MANE Select); coding-DNA position 17889, A replaced by T.
Protein change: p.Gly5963=; no amino-acid change (glycine 5963 retained).
Molecular consequence: synonymous variant.
Genome position (GRCh38, 1-based): chr6:56,527,526, T>A on the plus strand (A>T on the coding strand, the complement: DST is on the minus strand). VCF-style: chr6-56527526-T-A. GRCh37 (hg19) VCF-style: chr6-56392324-T-A.
Other names: c.11532A>T, p.Gly3844= (NM_001144769.5); c.11118A>T, p.Gly3706= (NM_001144770.2); c.17889A>T, p.Gly5963= (NM_001374722.1); c.16929A>T, p.Gly5643= (NM_001374729.1); c.10671A>T, p.Gly3557= (NM_001374730.1); c.17916A>T, p.Gly5972= (NM_001374734.1); c.10998A>T, p.Gly3666= (NM_001386100.1, NM_183380.4); c.10020A>T, p.Gly3340= (NM_015548.5).
Identifiers: ClinVar variation 1445059 (VCV001445059.6), dbSNP rs1326027248, ClinGen allele CA450618932.
Genomic context (GRCh38, chr6:56,527,526, plus strand): 5'-ATCCAAAATGCAGAAATCAGAGCTTACCTTTGGTCTCATTTGTGCTTGACTTGCTTCTTC[T>A]CCTTTCAGAACCTGAGTTTCATATGAAAGTAATTCCACCTCCACTTTGTCCAGCCAGGTA-3'
Protein context (NP_001361665.1, residues 5953-5973): LLSYETQVLK[Gly5963=]EEASQAQMRP

ClinVar aggregate classification (germline): Uncertain significance (1 of 4 stars; one submission).

Conditions:
Epidermolysis bullosa simplex 3, localized or generalized intermediate, with BP230 deficiency (EBS3). Also called: Epidermolysis bullosa simplex due to BP230 deficiency; Epidermolysis bullosa simplex, autosomal recessive 2. Identifiers: Orphanet 412181, MedGen C3809470, MONDO:0014180, OMIM 615425.
Hereditary sensory and autonomic neuropathy type 6. Also called: HSAN VI; Neuropathy, hereditary sensory and autonomic, type VI. Identifiers: Orphanet 314381, MedGen C3539003, MONDO:0013839, OMIM 614653.

Allele frequency attached by ClinVar (database versions not stated): gnomAD exomes below 0.00001; gnomAD 0.00001; TOPMed 0.00001.
gnomAD v4.1: 5 of 1,613,588 alleles (0.00031%); highest among the groups gnomAD compares: African/African-American, 0.004%; no homozygotes.

Submission:

Labcorp Genetics (formerly Invitae), Labcorp
Classification: Uncertain significance for Epidermolysis bullosa simplex 3, localized or generalized intermediate, with BP230 deficiency; Hereditary sensory and autonomic neuropathy type 6. Last evaluated: 2021-03-17. Review status: criteria provided, single submitter. Criteria: Invitae Variant Classification Sherloc (09022015). Collection method: clinical testing. Allele origin: germline.
Comment: In summary, the available evidence is currently insufficient to determine the role of this variant in disease. Therefore, it has been classified as a Variant of Uncertain Significance. Algorithms developed to predict the effect of sequence changes on RNA splicing suggest that this variant may create or strengthen a splice site, but this prediction has not been confirmed by published transcriptional studies. This variant has not been reported in the literature in individuals with DST-related conditions. This variant is not present in population databases (ExAC no frequency). This sequence change affects codon 3340 of the DST mRNA. It is a 'silent' change, meaning that it does not change the encoded amino acid sequence of the DST protein. The DST gene has multiple clinically relevant transcripts. This variant occurs in alternate transcript NM_015548.4, and corresponds to NM_001723.5:c.*87991A>T in the primary transcript.